The following is an entry in ClinVar:

NM_152618.3(BBS12):c.1302C>T (p.Ile434=)

Gene: BBS12 (Bardet-Biedl syndrome 12; plus strand). Cytogenetic location: 4q27.
Variant type: single nucleotide variant.
Coding change: c.1302C>T on transcript NM_152618.3 (MANE Select); coding-DNA position 1302, C replaced by T.
Protein change: p.Ile434=; no amino-acid change (isoleucine 434 retained).
Molecular consequence: synonymous variant.
Genome position (GRCh38, 1-based): chr4:122,743,194, C>T. VCF-style: chr4-122743194-C-T. GRCh37 (hg19) VCF-style: chr4-123664349-C-T.
Other names: c.1302C>T, p.Ile434= (NM_001178007.2).
Identifiers: ClinVar variation 759362 (VCV000759362.9), dbSNP rs773214415, ClinGen allele CA3069420.
Genomic context (GRCh38, chr4:122,743,194, plus strand): 5'-ACAAGGAAATGTGTCCGAACGCTTAATTGAAAAATGTATAAACAGTAAGCGGTTGGTAAT[C>T]GGCTCAGTGAATGGCAGTGTGATGCAGGCTTTTGCAGAGGCTGCAGGAGCAGTACAGGTG-3'
Protein context (NP_689831.2, residues 424-444): EKCINSKRLV[Ile434=]GSVNGSVMQA

ClinVar aggregate classification (germline): Likely benign. Review status: criteria provided, single submitter (1 of 4 stars). 2 submissions from 2 submitters: Likely benign (1). 1 of the submissions does not count toward it. Last evaluated 2024-07-01.

Conditions:
Bardet-Biedl syndrome (BBS). Identifiers: Orphanet 110, MedGen C0752166, MONDO:0015229.
BBS12-related disorder. Also called: BBS12-related condition.

Allele frequency attached by ClinVar (database versions not stated): gnomAD 0.00001; TOPMed 0.00001; ExAC 0.00002; gnomAD exomes 0.00002.

Submissions (2):

Labcorp Genetics (formerly Invitae), Labcorp
Classification: Likely benign for Bardet-Biedl syndrome. Last evaluated: 2024-07-01. Review status: criteria provided, single submitter. Criteria: Invitae Variant Classification Sherloc (09022015). Collection method: clinical testing. Allele origin: germline.

PreventionGenetics, part of Exact Sciences
Classification: Likely benign for BBS12-related condition. Last evaluated: 2021-09-17. Review status: no assertion criteria provided. Collection method: clinical testing. Allele origin: germline. Not counted in ClinVar's aggregate classification.
Comment: This variant is classified as likely benign based on ACMG/AMP sequence variant interpretation guidelines (Richards et al. 2015 PMID: 25741868, with internal and published modifications).